The following is an entry in ClinVar:

NM_001370298.3(FGD4):c.786G>A (p.Thr262=)

Gene: FGD4 (FYVE, RhoGEF and PH domain containing 4; plus strand). Cytogenetic location: 12p11.21.
Variant type: single nucleotide variant.
Coding change: c.786G>A on transcript NM_001370298.3 (MANE Select); coding-DNA position 786, G replaced by A.
Protein change: p.Thr262=; no amino-acid change (threonine 262 retained).
Molecular consequence: synonymous variant. On other transcripts: 5 prime UTR variant (2), non-coding transcript variant (1), intron variant (1).
Genome position (GRCh38, 1-based): chr12:32,582,242, G>A. VCF-style: chr12-32582242-G-A. GRCh37 (hg19) VCF-style: chr12-32735176-G-A.
Other names: c.630G>A, p.Thr210= (NM_001304481.2); c.-470G>A (NM_001304483.2); c.-777G>A (NM_001304484.2); c.96G>A, p.Thr32= (NM_001330373.2, NM_001330374.2, NM_001384130.1); c.786G>A, p.Thr262= (NM_001384126.1); c.375G>A, p.Thr125= (NM_001384127.1, NM_001384128.1, NM_001384131.1 and 3 more transcripts); c.49-16255G>A (NM_001370297.1).
Identifiers: ClinVar variation 1636423 (VCV001636423.9), dbSNP rs374075663, ClinGen allele CA6506621.

ClinVar aggregate classification (germline): Likely benign. Review status: criteria provided, multiple submitters, no conflicts (2 of 4 stars). 2 submissions from 2 submitters: Likely benign (2). Last evaluated 2025-12-09.

Conditions:
Charcot-Marie-Tooth disease type 4. Also called: Charcot-Marie-Tooth disease, type IV; Charcot-Marie-Tooth, Type 4. Identifiers: Orphanet 64749, MedGen C4082197, MONDO:0018995.
FGD4-related disorder. Also called: FGD4-related condition.

Allele frequency attached by ClinVar (database versions not stated): gnomAD 0.00001; gnomAD exomes 0.00001; TOPMed 0.00001; ExAC 0.00002; ESP Exome Variant Server 0.00008.
gnomAD v4.1: 21 of 1,614,084 alleles (0.0013%); highest among the groups gnomAD compares: Admixed American, 0.0033%; no homozygotes.

Submissions (2):

PreventionGenetics, part of Exact Sciences
Classification: Likely benign for FGD4-related condition. Last evaluated: 2025-12-09. Review status: criteria provided, single submitter. Criteria: ACMG Guidelines, 2015. Collection method: clinical testing. Allele origin: germline.
Comment: This variant is classified as likely benign based on ACMG/AMP sequence variant interpretation guidelines (Richards et al. 2015 PMID: 25741868, with internal and published modifications).

Labcorp Genetics (formerly Invitae), Labcorp
Classification: Likely benign for Charcot-Marie-Tooth disease type 4. Last evaluated: 2024-05-06. Review status: criteria provided, single submitter. Criteria: Invitae Variant Classification Sherloc (09022015). Collection method: clinical testing. Allele origin: germline.